The following is an entry in ClinVar:

ClinVar aggregate classification (germline): Conflicting classifications of pathogenicity. Review status: criteria provided, conflicting classifications (1 of 4 stars). 3 submissions from 3 submitters: Uncertain significance (2); Likely benign (1). Last evaluated 2023-08-01.

Conditions:
Mowat-Wilson syndrome (MOWS). Also called: Classic Mowat-Wilson Syndrome. Identifiers: Orphanet 2152, MedGen C1856113, MONDO:0009341, OMIM 235730.

Allele frequency attached by ClinVar (database versions not stated): gnomAD exomes below 0.00001; gnomAD 0.00001.
gnomAD v4.1: 8 of 1,613,968 alleles (0.0005%); highest among the groups gnomAD compares: South Asian, 0.0011%; no homozygotes.

Submissions (3):

CeGaT Center for Human Genetics Tuebingen
Classification: Uncertain significance. Last evaluated: 2023-08-01. Review status: criteria provided, single submitter. Criteria: CeGaT Center For Human Genetics Tuebingen Variant Classification Criteria Version 2. Collection method: clinical testing. Allele origin: germline. Affected: yes. Observed: 1 variant allele.
Comment: ZEB2: PM2:Supporting, BP4

Labcorp Genetics (formerly Invitae), Labcorp
Classification: Uncertain significance for Mowat-Wilson syndrome. Last evaluated: 2022-02-28. Review status: criteria provided, single submitter. Criteria: Invitae Variant Classification Sherloc (09022015). Collection method: clinical testing. Allele origin: germline.
Comment: ClinVar contains an entry for this variant (Variation ID: 377259). Algorithms developed to predict the effect of missense changes on protein structure and function output the following: SIFT: "Tolerated"; PolyPhen-2: "Benign"; Align-GVGD: "Class C0". The valine amino acid residue is found in multiple mammalian species, which suggests that this missense change does not adversely affect protein function. In summary, the available evidence is currently insufficient to determine the role of this variant in disease. Therefore, it has been classified as a Variant of Uncertain Significance. This variant has not been reported in the literature in individuals affected with ZEB2-related conditions. This sequence change replaces isoleucine, which is neutral and non-polar, with valine, which is neutral and non-polar, at codon 130 of the ZEB2 protein (p.Ile130Val). This variant is present in population databases (no rsID available, gnomAD 0.002%).

Center for Pediatric Genomic Medicine, Children's Mercy Hospital and Clinics
Classification: Likely benign. Last evaluated: 2016-09-20. Review status: criteria provided, single submitter. Criteria: ACMG Guidelines, 2015. Collection method: clinical testing. Allele origin: germline.
ClinVar note: Converted during submission from Likely Benign to Likely benign.

NM_014795.4(ZEB2):c.388A>G (p.Ile130Val)

Gene: ZEB2 (zinc finger E-box binding homeobox 2; minus strand). Cytogenetic location: 2q22.3.
Variant type: single nucleotide variant.
Coding change: c.388A>G on transcript NM_014795.4 (MANE Select); coding-DNA position 388, A replaced by G.
Protein change: p.Ile130Val; replaces isoleucine 130 with valine.
Molecular consequence: missense variant. On other transcripts: intron variant (1).
Genome position (GRCh38, 1-based): chr2:144,424,811, T>C on the plus strand (A>G on the coding strand, the complement: ZEB2 is on the minus strand). VCF-style: chr2-144424811-T-C. GRCh37 (hg19) VCF-style: chr2-145182378-T-C.
Other names: c.331+4958A>G (NM_001171653.2); short protein forms I130V.
Identifiers: ClinVar variation 377259 (VCV000377259.36), dbSNP rs1057520175, ClinGen allele CA16603318.
Genomic context (GRCh38, chr2:144,424,811, plus strand): 5'-ATGACACAGGACAAATGTGATCTGAGCGTGGCCAACATAACTCACCTGTACCATTGTTAA[T>C]TGCGGTCTGGATCGTGGCTTCTGGCCCCATAGTGTCATAGTCTTCCTTCATTTCTTCTGT-3'
Protein context (NP_055610.1, residues 120-140): MGPEATIQTA[Ile130Val]NNGTVKNANC